The following is an entry in ClinVar:

NM_001371928.1(AHDC1):c.1704G>A (p.Ala568=)

Gene: AHDC1 (AT-hook DNA binding motif containing 1; minus strand). Cytogenetic location: 1p36.11.
Variant type: single nucleotide variant.
Coding change: c.1704G>A on transcript NM_001371928.1 (MANE Select); coding-DNA position 1704, G replaced by A.
Protein change: p.Ala568=; no amino-acid change (alanine 568 retained).
Molecular consequence: synonymous variant.
Genome position (GRCh38, 1-based): chr1:27,550,412, C>T on the plus strand (G>A on the coding strand, the complement: AHDC1 is on the minus strand). VCF-style: chr1-27550412-C-T. GRCh37 (hg19) VCF-style: chr1-27876923-C-T.
Other names: c.1704G>A, p.Ala568= (NM_001029882.3).
Identifiers: ClinVar variation 3021157 (VCV003021157.6), dbSNP rs769532883, ClinGen allele CA715904.

ClinVar aggregate classification (germline): Likely benign. Review status: criteria provided, multiple submitters, no conflicts (2 of 4 stars). 3 submissions from 3 submitters: Likely benign (2). 1 of the submissions does not count toward it. Last evaluated 2025-06-29.

Conditions:
AHDC1-related disorder. Also called: AHDC1-related condition.

Allele frequency attached by ClinVar (database versions not stated): ExAC 0.00001; gnomAD 0.00002; gnomAD exomes 0.00002; TOPMed 0.00002.
gnomAD v4.1: 33 of 1,611,692 alleles (0.002%); highest among the groups gnomAD compares: Non-Finnish European, 0.0023%; no homozygotes.

Submissions (3):

Labcorp Genetics (formerly Invitae), Labcorp
Classification: Likely benign. Last evaluated: 2025-06-29. Review status: criteria provided, single submitter. Criteria: Invitae Variant Classification Sherloc (09022015). Collection method: clinical testing. Allele origin: germline.

Blueprint Genetics
Classification: Likely benign. Last evaluated: 2021-09-20. Review status: criteria provided, single submitter. Criteria: ACMG Guidelines, 2015. Collection method: clinical testing. Allele origin: germline.

PreventionGenetics, part of Exact Sciences
Classification: Likely benign for AHDC1-related condition. Last evaluated: 2020-01-09. Review status: no assertion criteria provided. Collection method: clinical testing. Allele origin: germline. Not counted in ClinVar's aggregate classification.
Comment: This variant is classified as likely benign based on ACMG/AMP sequence variant interpretation guidelines (Richards et al. 2015 PMID: 25741868, with internal and published modifications).